The following is an entry in ClinVar:

NM_024642.5(GALNT12):c.832G>A (p.Gly278Ser)

Gene: GALNT12 (polypeptide N-acetylgalactosaminyltransferase 12; plus strand). Cytogenetic location: 9q22.33.
Variant type: single nucleotide variant.
Coding change: c.832G>A on transcript NM_024642.5 (MANE Select); coding-DNA position 832, G replaced by A.
Protein change: p.Gly278Ser; replaces glycine 278 with serine.
Molecular consequence: missense variant.
Genome position (GRCh38, 1-based): chr9:98,831,872, G>A. VCF-style: chr9-98831872-G-A. GRCh37 (hg19) VCF-style: chr9-101594154-G-A.
Other names: short protein forms G278S.
Identifiers: ClinVar variation 485661 (VCV000485661.17), dbSNP rs751274362, ClinGen allele CA5154070.
Genomic context (GRCh38, chr9:98,831,872, plus strand): 5'-GATGTGATCGACTGGAACACCTTCGAATACCTGGGGAACTCCGGGGAGCCCCAGATCGGC[G>A]GTTTCGACTGGAGGCTGGTGTTCACGTGGCACACAGTTCCTGAGAGGGAGAGGATACGGA-3'
Protein context (NP_078918.3, residues 268-288): LGNSGEPQIG[Gly278Ser]FDWRLVFTWH

ClinVar aggregate classification (germline): Uncertain significance. Review status: criteria provided, multiple submitters, no conflicts (2 of 4 stars). 4 submissions from 4 submitters: Uncertain significance (4). Last evaluated 2025-08-14.

Conditions:
Colorectal cancer, susceptibility to, 1. Also called: COLORECTAL ADENOMA AND CANCER, SUSCEPTIBILITY TO; COLORECTAL CANCER, SUSCEPTIBILITY TO, ON CHROMOSOME 9. Identifiers: MedGen C1837315, MONDO:0012132, OMIM 608812.

Allele frequency attached by ClinVar (database versions not stated): gnomAD 0.00001 and 0.00002; TOPMed 0.00001; gnomAD exomes 0.00004 and 0.00008; ExAC 0.00012.
gnomAD v4.1: 74 of 1,614,016 alleles (0.0046%); highest among the groups gnomAD compares: East Asian, 0.0045%; 1 homozygote.

Submissions (4):

Ambry Genetics
Classification: Uncertain significance. Last evaluated: 2025-08-14. Review status: criteria provided, single submitter. Criteria: Ambry Variant Classification Scheme 2023. Collection method: clinical testing. Allele origin: germline.
Comment: The p.G278S variant (also known as c.832G>A), located in coding exon 4 of the GALNT12 gene, results from a G to A substitution at nucleotide position 832. The glycine at codon 278 is replaced by serine, an amino acid with similar properties. This amino acid position is highly conserved in available vertebrate species. In addition, this alteration is predicted to be deleterious by in silico analysis. Since supporting evidence is limited at this time, the clinical significance of this alteration remains unclear.

Labcorp Genetics (formerly Invitae), Labcorp
Classification: Uncertain significance. Last evaluated: 2024-05-21. Review status: criteria provided, single submitter. Criteria: Invitae Variant Classification Sherloc (09022015). Collection method: clinical testing. Allele origin: germline.
Comment: This sequence change replaces glycine, which is neutral and non-polar, with serine, which is neutral and polar, at codon 278 of the GALNT12 protein (p.Gly278Ser). This variant is present in population databases (rs751274362, gnomAD 0.01%). This variant has not been reported in the literature in individuals affected with GALNT12-related conditions. ClinVar contains an entry for this variant (Variation ID: 485661). Advanced modeling of protein sequence and biophysical properties (such as structural, functional, and spatial information, amino acid conservation, physicochemical variation, residue mobility, and thermodynamic stability) performed at Invitae indicates that this missense variant is not expected to disrupt GALNT12 protein function with a negative predictive value of 80%. In summary, the available evidence is currently insufficient to determine the role of this variant in disease. Therefore, it has been classified as a Variant of Uncertain Significance.

Department of Pathology and Laboratory Medicine, Sinai Health System
Classification: Uncertain significance for Colorectal cancer, susceptibility to, 1. Last evaluated: 2024-03-28. Review status: criteria provided, single submitter. Criteria: ACMG Guidelines, 2015. Collection method: clinical testing. Allele origin: germline. Affected: yes.

Baylor Genetics
Classification: Uncertain significance for Colorectal cancer, susceptibility to, 1. Last evaluated: 2023-12-11. Review status: criteria provided, single submitter. Criteria: ACMG Guidelines, 2015. Collection method: clinical testing. Allele origin: unknown.